The following is an entry in ClinVar:

NM_001330195.2(NRXN3):c.3558C>T (p.Asn1186=)

Gene: NRXN3 (neurexin 3; plus strand). Cytogenetic location: 14q31.1.
Variant type: single nucleotide variant.
Coding change: c.3558C>T on transcript NM_001330195.2 (MANE Select); coding-DNA position 3558, C replaced by T.
Protein change: p.Asn1186=; no amino-acid change (asparagine 1186 retained).
Molecular consequence: synonymous variant. On other transcripts: non-coding transcript variant (5).
Genome position (GRCh38, 1-based): chr14:79,663,891, C>T. VCF-style: chr14-79663891-C-T. GRCh37 (hg19) VCF-style: chr14-80130234-C-T.
Other names: c.543C>T, p.Asn181= (NM_001105250.3, NM_001272020.2, NM_138970.5); c.3558C>T, p.Asn1186= (NM_001366425.1); c.3570C>T, p.Asn1190= (NM_001366426.1); c.2439C>T, p.Asn813= (NM_004796.6).
Identifiers: ClinVar variation 3353526 (VCV003353526.1).
Genomic context (GRCh38, chr14:79,663,891, plus strand): 5'-CAAAGAGGAGAGAACCCCTGTAAATGACGGCAAATACCATGTGGTACGCTTCACCAGGAA[C>T]GGCGGCAACGCCACCCTGCAGGTGGACAACTGGCCAGTGAATGAACATTATCCTACAGGT-3'
Protein context (NP_001317124.1, residues 1176-1196): GKYHVVRFTR[Asn1186=]GGNATLQVDN

ClinVar aggregate classification (germline): Likely benign (0 of 4 stars; one submission).

Conditions:
NRXN3-related disorder. Also called: NRXN3-related condition.

gnomAD v4.1: 35 of 1,613,470 alleles (0.0022%); highest among the groups gnomAD compares: Admixed American, 0.0083%; no homozygotes.

Submission:

PreventionGenetics, part of Exact Sciences
Classification: Likely benign for NRXN3-related condition. Last evaluated: 2019-11-11. Review status: no assertion criteria provided. Collection method: clinical testing. Allele origin: germline.
Comment: This variant is classified as likely benign based on ACMG/AMP sequence variant interpretation guidelines (Richards et al. 2015 PMID: 25741868, with internal and published modifications).